The following is an entry in ClinVar:

NM_003590.5(CUL3):c.966G>T (p.Arg322Ser)

Gene: CUL3 (cullin 3; minus strand). Cytogenetic location: 2q36.2.
Variant type: single nucleotide variant.
Coding change: c.966G>T on transcript NM_003590.5 (MANE Select); coding-DNA position 966, G replaced by T.
Protein change: p.Arg322Ser; replaces arginine 322 with serine.
Molecular consequence: missense variant.
Genome position (GRCh38, 1-based): chr2:224,506,921, C>A on the plus strand (G>T on the coding strand, the complement: CUL3 is on the minus strand). VCF-style: chr2-224506921-C-A. GRCh37 (hg19) VCF-style: chr2-225371638-C-A.
Other names: c.768G>T, p.Arg256Ser (NM_001257197.2); c.984G>T, p.Arg328Ser (NM_001257198.2); short protein forms R256S, R322S, R328S.
Identifiers: ClinVar variation 2663085 (VCV002663085.1), dbSNP rs2106206028, ClinGen allele CA350829228.
Genomic context (GRCh38, chr2:224,506,921, plus strand): 5'-GATATAGTCAACAGGATTCTTTCCTTCTCCTTCTTCAGAAACAAGAGCTTTACCTTGCTC[C>A]CTCAAATAGGAACTCATACACTCACACATTGTTTTCAAACCATTTGGCACACGACTAAAT-3'
Protein context (NP_003581.1, residues 312-332): TMCECMSSYL[Arg322Ser]EQGKALVSEE

ClinVar aggregate classification (germline): Uncertain significance (1 of 4 stars; one submission).

Submission:

GeneDx
Classification: Uncertain significance. Last evaluated: 2023-05-08. Review status: criteria provided, single submitter. Criteria: GeneDx Variant Classification Process June 2021. Collection method: clinical testing. Allele origin: germline. Affected: yes.
Comment: Not observed at significant frequency in large population cohorts (gnomAD); In silico analysis supports that this missense variant has a deleterious effect on protein structure/function; Has not been previously published as pathogenic or benign to our knowledge